The following is an entry in ClinVar:

NM_006766.5(KAT6A):c.3741_3754del (p.Glu1248fs)

Gene: KAT6A (lysine acetyltransferase 6A; minus strand). Cytogenetic location: 8p11.21.
Variant type: Deletion.
Coding change: c.3741_3754del on transcript NM_006766.5 (MANE Select); coding-DNA positions 3741 to 3754, 14 bases deleted (TGAAGTCCCAGCAG).
Protein change: p.Glu1248fs; shifts the reading frame from glutamic acid 1248.
Molecular consequence: frameshift variant.
Genome position (GRCh38, 1-based): chr8:41,934,466-41,934,479, CTGCTGGGACTTCA deleted on the plus strand (TGAAGTCCCAGCAG on the coding strand, the reverse complement: KAT6A is on the minus strand); deleting any 14 consecutive bases within chr8:41,934,466-41,934,486 gives the same sequence; the c. name uses the placement nearest the transcript's 3' end. VCF-style (leftmost placement, unchanged base first): chr8-41934465-GCTGCTGGGACTTCA-G. GRCh37 (hg19) VCF-style: chr8-41791983-GCTGCTGGGACTTCA-G.
Other names: c.3741_3754delTGAAGTCCCAGCAG (NM_006766.5); short protein forms E1248fs.
Identifiers: ClinVar variation 4850240 (VCV004850240.1).
Genomic context (GRCh38, chr8:41,934,465, plus strand): 5'-TCCTCCACCTCAGGCTCCTTGGTTTCGGTCTCAGGACTATTGCTGCTGTCTGCTGGAGAG[GCTGCTGGGACTTCA>G]CTGCTGGCTGCATCCTCTTCCTCACCCTCTTCAGCCTCTTCTGCCTCTGCTTGCATCTCC-3'

ClinVar aggregate classification (germline): Likely pathogenic (1 of 4 stars; one submission).

Conditions:
Autosomal dominant intellectual disability-craniofacial anomalies-cardiac defects syndrome (ARTHS). Also called: Mental retardation, autosomal dominant 32; Arboleda-Tham syndrome; KAT6A syndrome. Identifiers: Orphanet 457193, MedGen C4225396, MONDO:0014558, OMIM 616268.

Submission:

First Genomix Gene Laboratory, Genetic Diagnostics Department
Classification: Likely pathogenic for Autosomal dominant intellectual disability-craniofacial anomalies-cardiac defects syndrome. Last evaluated: 2025-09-04. Review status: criteria provided, single submitter. Criteria: ACMG Guidelines, 2015. Collection method: clinical testing. Allele origin: germline. Inheritance: Autosomal dominant inheritance. Affected: yes. Observed: 1 variant allele.